The following is an entry in ClinVar:

ClinVar aggregate classification (germline): Uncertain significance (1 of 4 stars; one submission).

Submission:

Labcorp Genetics (formerly Invitae), Labcorp
Classification: Uncertain significance. Last evaluated: 2023-06-27. Review status: criteria provided, single submitter. Criteria: Invitae Variant Classification Sherloc (09022015). Collection method: clinical testing. Allele origin: germline.
Comment: This sequence change replaces methionine, which is neutral and non-polar, with isoleucine, which is neutral and non-polar, at codon 729 of the TNNI3K protein (p.Met729Ile). This variant is present in population databases (no rsID available, gnomAD 0.0009%). This variant has not been reported in the literature in individuals affected with TNNI3K-related conditions. An algorithm developed to predict the effect of missense changes on protein structure and function (PolyPhen-2) suggests that this variant is likely to be tolerated. In summary, the available evidence is currently insufficient to determine the role of this variant in disease. Therefore, it has been classified as a Variant of Uncertain Significance.

NM_015978.3(TNNI3K):c.2187G>T (p.Met729Ile)

Genes: FPGT-TNNI3K (FPGT-TNNI3K readthrough; plus strand), LRRC53 (leucine rich repeat containing 53; minus strand), TNNI3K (TNNI3 interacting kinase; plus strand). Cytogenetic location: 1p31.1.
Variant type: single nucleotide variant.
Coding change: c.2187G>T on transcript NM_015978.3 (MANE Select); coding-DNA position 2187, G replaced by T.
Protein change: p.Met729Ile; replaces methionine 729 with isoleucine.
Molecular consequence: missense variant. On other transcripts: intron variant (2).
Genome position (GRCh38, 1-based): chr1:74,492,102, G>T. VCF-style: chr1-74492102-G-T. GRCh37 (hg19) VCF-style: chr1-74957786-G-T.
Other names: c.2490G>T, p.Met830Ile (NM_001112808.3); c.-8-11134C>A (NM_001364666.2); c.-26-8727C>A (NM_001382280.1); short protein forms M729I, M830I.
Identifiers: ClinVar variation 2992053 (VCV002992053.3), dbSNP rs1372831124, ClinGen allele CA340799051.